The following is an entry in ClinVar:

ClinVar aggregate classification (germline): Likely benign (0 of 4 stars; one submission).

Conditions:
GLA-related disorder. Also called: GLA-related condition.

Allele frequency attached by ClinVar (database versions not stated): gnomAD exomes 0.00026; 1000 Genomes Project 30x 0.00125; 1000 Genomes Project 0.00132; gnomAD 0.00208; TOPMed 0.00254.
gnomAD v4.1: 376 of 624,199 alleles (0.06%); highest among the groups gnomAD compares: African/African-American, 0.7%; 1 homozygote.

Submission:

PreventionGenetics, part of Exact Sciences
Classification: Likely benign for GLA-related condition. Last evaluated: 2023-04-03. Review status: no assertion criteria provided. Collection method: clinical testing. Allele origin: germline.
Comment: This variant is classified as likely benign based on ACMG/AMP sequence variant interpretation guidelines (Richards et al. 2015 PMID: 25741868, with internal and published modifications).

NC_000023.11:g.101391216G>A

Genes: GLA (galactosidase alpha; minus strand), RPL36A (ribosomal protein L36a; plus strand), RPL36A-HNRNPH2 (RPL36A-HNRNPH2 readthrough; plus strand). Cytogenetic location: Xq22.1.
Variant type: single nucleotide variant.
Molecular consequence: intron variant (on NM_021029.6).
Genome position: GRCh38 VCF-style: chrX-101391216-G-A. GRCh37 (hg19) VCF-style: chrX-100646204-G-A.
Other names: c.3+170G>A (NM_001199973.2, NM_001199974.2, NM_021029.6).
Identifiers: ClinVar variation 3031516 (VCV003031516.2), dbSNP rs782144276, ClinGen allele CA333091324.